The following is an entry in ClinVar:

NM_005219.5(DIAPH1):c.2092G>A (p.Ala698Thr)

Gene: DIAPH1 (diaphanous related formin 1; minus strand). Cytogenetic location: 5q31.3.
Variant type: single nucleotide variant.
Coding change: c.2092G>A on transcript NM_005219.5 (MANE Select); coding-DNA position 2092, G replaced by A.
Protein change: p.Ala698Thr; replaces alanine 698 with threonine.
Molecular consequence: missense variant.
Genome position (GRCh38, 1-based): chr5:141,573,758, C>T on the plus strand (G>A on the coding strand, the complement: DIAPH1 is on the minus strand). VCF-style: chr5-141573758-C-T. GRCh37 (hg19) VCF-style: chr5-140953325-C-T.
Other names: c.2065G>A, p.Ala689Thr (NM_001079812.3); c.2092G>A, p.Ala698Thr (NM_001314007.2); short protein forms A698T, A689T.
Identifiers: ClinVar variation 2199124 (VCV002199124.4), dbSNP rs1390738526, ClinGen allele CA361518335.

ClinVar aggregate classification (germline): Uncertain significance (1 of 4 stars; one submission).

Conditions:
Autosomal dominant nonsyndromic hearing loss 1. Also called: DEAFNESS, AUTOSOMAL DOMINANT 1, WITH OR WITHOUT THROMBOCYTOPENIA; KONIGSMARK SYNDROME. Identifiers: Orphanet 90635, MedGen C1852282, MONDO:0007424, OMIM 124900.
Progressive microcephaly-seizures-cortical blindness-developmental delay syndrome. Also called: Seizures, cortical blindness, and microcephaly syndrome. Identifiers: Orphanet 477814, MedGen C5567650, MONDO:0014714, OMIM 616632.

Allele frequency attached by ClinVar (database versions not stated): gnomAD 0.00003; gnomAD exomes 0.00003.
gnomAD v4.1: 42 of 1,524,168 alleles (0.0028%); highest among the groups gnomAD compares: Non-Finnish European, 0.0036%; no homozygotes.

Submission:

Labcorp Genetics (formerly Invitae), Labcorp
Classification: Uncertain significance for Progressive microcephaly-seizures-cortical blindness-developmental delay syndrome; Autosomal dominant nonsyndromic hearing loss 1. Last evaluated: 2023-12-01. Review status: criteria provided, single submitter. Criteria: Invitae Variant Classification Sherloc (09022015). Collection method: clinical testing. Allele origin: germline.
Comment: This sequence change replaces alanine, which is neutral and non-polar, with threonine, which is neutral and polar, at codon 698 of the DIAPH1 protein (p.Ala698Thr). The frequency data for this variant in the population databases is considered unreliable, as metrics indicate poor data quality at this position in the gnomAD database. This variant has not been reported in the literature in individuals affected with DIAPH1-related conditions. ClinVar contains an entry for this variant (Variation ID: 2199124). Algorithms developed to predict the effect of missense changes on protein structure and function output the following: SIFT: "Not Available"; PolyPhen-2: "Not Available"; Align-GVGD: "Not Available". The threonine amino acid residue is found in multiple mammalian species, which suggests that this missense change does not adversely affect protein function. In summary, the available evidence is currently insufficient to determine the role of this variant in disease. Therefore, it has been classified as a Variant of Uncertain Significance.